The following is an entry in ClinVar:

NM_020336.4(RALGAPB):c.4359T>C (p.Ser1453=)

Gene: RALGAPB (Ral GTPase activating protein non-catalytic subunit beta; plus strand). Cytogenetic location: 20q11.23.
Variant type: single nucleotide variant.
Coding change: c.4359T>C on transcript NM_020336.4 (MANE Select); coding-DNA position 4359, T replaced by C.
Protein change: p.Ser1453=; no amino-acid change (serine 1453 retained).
Molecular consequence: synonymous variant.
Genome position (GRCh38, 1-based): chr20:38,574,841, T>C. VCF-style: chr20-38574841-T-C. GRCh37 (hg19) VCF-style: chr20-37203484-T-C.
Other names: c.4359T>C, p.Ser1453= (NM_001282917.2); c.4350T>C, p.Ser1450= (NM_001282918.2).
Identifiers: ClinVar variation 3033737 (VCV003033737.2), dbSNP rs138886522, ClinGen allele CA9854736.

ClinVar aggregate classification (germline): Benign (0 of 4 stars; one submission).

Conditions:
RALGAPB-related disorder. Also called: RALGAPB-related condition.

Allele frequency attached by ClinVar (database versions not stated): gnomAD exomes 0.00053; gnomAD 0.00093; TOPMed 0.00137; ExAC 0.00237; 1000 Genomes Project 30x 0.00422; 1000 Genomes Project 0.00459.
gnomAD v4.1: 917 of 1,613,342 alleles (0.057%); highest among the groups gnomAD compares: East Asian, 1.9%; 15 homozygotes.

Submission:

PreventionGenetics, part of Exact Sciences
Classification: Benign for RALGAPB-related condition. Last evaluated: 2019-11-16. Review status: no assertion criteria provided. Collection method: clinical testing. Allele origin: germline.
Comment: This variant is classified as benign based on ACMG/AMP sequence variant interpretation guidelines (Richards et al. 2015 PMID: 25741868, with internal and published modifications).